The following is an entry in ClinVar:

ClinVar aggregate classification (germline): Likely pathogenic (1 of 4 stars; one submission).

Submission:

Labcorp Genetics (formerly Invitae), Labcorp
Classification: Likely pathogenic. Last evaluated: 2023-04-22. Review status: criteria provided, single submitter. Criteria: Invitae Variant Classification Sherloc (09022015). Collection method: clinical testing. Allele origin: germline.
Comment: In summary, the currently available evidence indicates that the variant is pathogenic, but additional data are needed to prove that conclusively. Therefore, this variant has been classified as Likely Pathogenic. This sequence change affects a donor splice site in intron 25 of the USH2A gene. It is expected to disrupt RNA splicing. Variants that disrupt the donor or acceptor splice site typically lead to a loss of protein function (PMID: 16199547), and loss-of-function variants in USH2A are known to be pathogenic (PMID: 10729113, 10909849, 20507924, 25649381). This variant is not present in population databases (gnomAD no frequency). This variant has not been reported in the literature in individuals affected with USH2A-related conditions. ClinVar contains an entry for this variant (Variation ID: 1475726). Algorithms developed to predict the effect of sequence changes on RNA splicing suggest that this variant may disrupt the consensus splice site.

Literature cited by the submitters: PubMed 16199547; PubMed 10729113; PubMed 10909849; PubMed 20507924; PubMed 25649381.

NM_206933.4(USH2A):c.5167+1G>A

Genes: USH2A (usherin; minus strand), USH2A-AS2 (USH2A antisense RNA 2; plus strand). Cytogenetic location: 1q41.
Variant type: single nucleotide variant.
Coding change: c.5167+1G>A on transcript NM_206933.4 (MANE Select); the canonical splice donor site of the intron after coding-DNA position 5167, G replaced by A.
Molecular consequence: splice donor variant.
Genome position (GRCh38, 1-based): chr1:216,084,697, C>T on the plus strand (G>A on the coding strand, the complement: USH2A is on the minus strand). VCF-style: chr1-216084697-C-T. GRCh37 (hg19) VCF-style: chr1-216258039-C-T.
Identifiers: ClinVar variation 1475726 (VCV001475726.6), dbSNP rs794727408, ClinGen allele CA344858664.